The following is an entry in ClinVar:

NM_007294.4(BRCA1):c.2336C>T (p.Thr779Ile)

Gene: BRCA1 (BRCA1 DNA repair associated; minus strand). Cytogenetic location: 17q21.31.
Variant type: single nucleotide variant.
Coding change: c.2336C>T on transcript NM_007294.4 (MANE Select); coding-DNA position 2336, C replaced by T.
Protein change: p.Thr779Ile; replaces threonine 779 with isoleucine.
Molecular consequence: missense variant. On other transcripts: intron variant (137).
Genome position (GRCh38, 1-based): chr17:43,093,195, G>A on the plus strand (C>T on the coding strand, the complement: BRCA1 is on the minus strand). VCF-style: chr17-43093195-G-A. GRCh37 (hg19) VCF-style: chr17-41245212-G-A.
Other names: c.2336C>T, p.Thr779Ile (NM_001407594.1, NM_001407616.1, NM_001407617.1 and 30 more transcripts); c.2333C>T, p.Thr778Ile (NM_001407614.1, NM_001407615.1, NM_001407633.1 and 22 more transcripts); c.2195C>T, p.Thr732Ile (NM_001407724.1, NM_001407725.1, NM_001407726.1 and 29 more transcripts); c.2192C>T, p.Thr731Ile (NM_001407740.1, NM_001407741.1, NM_001407742.1 and 20 more transcripts); c.2258C>T, p.Thr753Ile (NM_001407655.1, NM_001407656.1, NM_001407657.1 and 4 more transcripts); c.2255C>T, p.Thr752Ile (NM_001407659.1, NM_001407660.1, NM_001407661.1 and 1 more transcripts); c.2132C>T, p.Thr711Ile (NM_001407875.1, NM_001407874.1); c.2126C>T, p.Thr709Ile (NM_001407879.1, NM_001407881.1, NM_001407882.1 and 13 more transcripts); and 41 more; short protein forms T732I, T779I, T483I, T667I, T668I, T731I, T737I, T778I.
Identifiers: ClinVar variation 1516076 (VCV001516076.13), dbSNP rs2154382857, ClinGen allele CA10597331.

ClinVar aggregate classification (germline): Conflicting classifications of pathogenicity. Review status: criteria provided, conflicting classifications (1 of 4 stars). 4 submissions from 4 submitters: Uncertain significance (3); Likely benign (1). Last evaluated 2025-07-03.

Conditions:
Breast-ovarian cancer, familial, susceptibility to, 1 (BROVCA1). Also called: OVARIAN CANCER, SUSCEPTIBILITY TO; BRCA1 Hereditary Breast and Ovarian Cancer. Identifiers: Orphanet 145, MedGen C2676676, MONDO:0011450, OMIM 604370. Disease mechanism: loss of function.
Hereditary breast ovarian cancer syndrome. Also called: Breast and ovarian cancer; Hereditary breast and/or ovarian cancer syndrome; Hereditary breast and ovarian cancer syndrome; BRCA1- and BRCA2-Associated Hereditary Breast and Ovarian Cancer; Hereditary breast and ovarian cancer; Hereditary breast and ovarian cancer syndrome (HBOC). Identifiers: Orphanet 145, MedGen C0677776, MeSH D061325, MONDO:0003582. Disease mechanism: loss of function.
Hereditary cancer-predisposing syndrome. Also called: Neoplastic Syndromes, Hereditary; Tumor predisposition; Hereditary Cancer Syndrome; Hereditary neoplastic syndrome. Identifiers: Orphanet 140162, MedGen C0027672, MeSH D009386, MONDO:0015356.

gnomAD v4.1: 1 of 1,613,788 alleles (0.000062%); highest among the groups gnomAD compares: East Asian, 0.0022%; no homozygotes.

Submissions (4):

Ambry Genetics
Classification: Uncertain significance for Hereditary cancer-predisposing syndrome. Last evaluated: 2025-07-03. Review status: criteria provided, single submitter. Criteria: Ambry Variant Classification Scheme 2023. Collection method: clinical testing. Allele origin: germline.
Comment: The p.T779I variant (also known as c.2336C>T), located in coding exon 9 of the BRCA1 gene, results from a C to T substitution at nucleotide position 2336. The threonine at codon 779 is replaced by isoleucine, an amino acid with similar properties. This amino acid position is well conserved in available vertebrate species. In addition, the in silico prediction for this alteration is inconclusive. Since supporting evidence is limited at this time, the clinical significance of this alteration remains unclear.

Labcorp Genetics (formerly Invitae), Labcorp
Classification: Uncertain significance for Hereditary breast ovarian cancer syndrome. Last evaluated: 2025-05-27. Review status: criteria provided, single submitter. Criteria: Invitae Variant Classification Sherloc (09022015). Collection method: clinical testing. Allele origin: germline.
Comment: This sequence change replaces threonine, which is neutral and polar, with isoleucine, which is neutral and non-polar, at codon 779 of the BRCA1 protein (p.Thr779Ile). This variant is not present in population databases (gnomAD no frequency). This missense change has been observed in individual(s) with hereditary breast and ovarian cancer (PMID: 34981296). ClinVar contains an entry for this variant (Variation ID: 1516076). Invitae Evidence Modeling of protein sequence and biophysical properties (such as structural, functional, and spatial information, amino acid conservation, physicochemical variation, residue mobility, and thermodynamic stability) indicates that this missense variant is not expected to disrupt BRCA1 protein function with a negative predictive value of 80%. In summary, the available evidence is currently insufficient to determine the role of this variant in disease. Therefore, it has been classified as a Variant of Uncertain Significance.

All of Us Research Program, National Institutes of Health
Classification: Uncertain significance for Breast-ovarian cancer, familial, susceptibility to, 1. Last evaluated: 2023-07-10. Review status: criteria provided, single submitter. Criteria: ACMG Guidelines, 2015. Collection method: clinical testing. Allele origin: germline. Inheritance: Autosomal dominant inheritance. Observed: 1 variant allele, 1 heterozygote.
Comment: This missense variant replaces threonine with isoleucine at codon 779 of the BRCA1 protein. Computational prediction is inconclusive regarding the impact of this variant on protein structure and function (internally defined REVEL score threshold 0.5 < inconclusive < 0.7, PMID: 27666373). To our knowledge, functional studies have not been reported for this variant. This variant has not been reported in individuals affected with hereditary cancer in the literature. This variant has not been identified in the general population by the Genome Aggregation Database (gnomAD). The available evidence is insufficient to determine the role of this variant in disease conclusively. Therefore, this variant is classified as a Variant of Uncertain Significance.

This study involves interpretation of variants in research participants for the purpose of population health screening. Participant phenotype was not available at the time of variant classification. Additional details can be found in publication PMID: 35346344, PMCID: PMC8962531

University of Washington Department of Laboratory Medicine, University of Washington
Classification: Likely benign for Hereditary cancer-predisposing syndrome. Last evaluated: 2023-03-23. Review status: criteria provided, single submitter. Criteria: Dines et al. (Genet Med. 2020). Collection method: curation. Allele origin: germline.
Comment: Missense variant in a coldspot region where missense variants are very unlikely to be pathogenic (PMID:31911673).

BRCA1 coldspot (exon 11 using historical exon numbering). Reclassification based on statistical prior probability

Literature cited by the submitters: PubMed 34981296 (cited by Labcorp Genetics (formerly Invitae), Labcorp).